The following is an entry in ClinVar:

NM_001253697.2(ERBIN):c.1591G>A (p.Val531Met)

Gene: ERBIN (erbb2 interacting protein; plus strand). Cytogenetic location: 5q12.3.
Variant type: single nucleotide variant.
Coding change: c.1591G>A on transcript NM_001253697.2 (MANE Select); coding-DNA position 1591, G replaced by A.
Protein change: p.Val531Met; replaces valine 531 with methionine.
Molecular consequence: missense variant. On other transcripts: splice donor variant (1).
Genome position (GRCh38, 1-based): chr5:66,044,299, G>A. VCF-style: chr5-66044299-G-A. GRCh37 (hg19) VCF-style: chr5-65340127-G-A.
Other names: c.1590+1G>A (NM_001253701.1, NM_001253701.2); c.1591G>A, p.Val531Met (NM_001006600.3, NM_001253698.2, NM_001253699.2 and 1 more transcripts); short protein forms V531M.
Identifiers: ClinVar variation 1471357 (VCV001471357.9), dbSNP rs766536039, ClinGen allele CA3286287.
Genomic context (GRCh38, chr5:66,044,299, plus strand): 5'-AATGAAGACTCAGGAAGAGATTTGAAACCACATGAAGATCAACAAGATATAAATAAAGAT[G>A]TGGGTGTGAAGGTTAGAAAATTCAAAAGGATTAACCAAAGCCTATTTCAAGTTCTTATTT-3'
Protein context (NP_001240626.1, residues 521-541): HEDQQDINKD[Val531Met]GVKTSESTTT

ClinVar aggregate classification (germline): Uncertain significance. Review status: criteria provided, multiple submitters, no conflicts (2 of 4 stars). 3 submissions from 3 submitters: Uncertain significance (3). Last evaluated 2025-12-31.

Conditions:
ERBIN-related disorder. Also called: ERBIN-related condition.

Allele frequency attached by ClinVar (database versions not stated): gnomAD exomes below 0.00001.
gnomAD v4.1: 77 of 1,591,176 alleles (0.0048%); highest among the groups gnomAD compares: Non-Finnish European, 0.0065%; no homozygotes.

Submissions (4):

Labcorp Genetics (formerly Invitae), Labcorp
Classification: Uncertain significance. Last evaluated: 2025-12-31. Review status: criteria provided, single submitter. Criteria: Invitae Variant Classification Sherloc (09022015). Collection method: clinical testing. Allele origin: germline.
Comment: This sequence change replaces valine, which is neutral and non-polar, with methionine, which is neutral and non-polar, at codon 531 of the ERBIN protein (p.Val531Met). This variant is present in population databases (rs766536039, gnomAD 0.001%). This variant has not been reported in the literature in individuals affected with ERBIN-related conditions. ClinVar contains an entry for this variant (Variation ID: 1471357). An algorithm developed to predict the effect of missense changes on protein structure and function outputs the following: PolyPhen-2: "Benign". The methionine amino acid residue is found in multiple mammalian species, which suggests that this missense change does not adversely affect protein function. In summary, the available evidence is currently insufficient to determine the role of this variant in disease. Therefore, it has been classified as a Variant of Uncertain Significance.

PreventionGenetics, part of Exact Sciences
Classification: Uncertain significance for ERBIN-related condition. Last evaluated: 2025-09-08. Review status: criteria provided, single submitter. Criteria: ACMG Guidelines, 2015. Collection method: clinical testing. Allele origin: germline.
Comment: The ERBIN c.1590+1G>A variant is predicted to disrupt the GT donor site and interfere with normal splicing. This variant is predicted to impact splicing based on prediction algorithms (SpliceAI, Jaganathan et al. 2019. PubMed ID: 30661751). However, in a different transcript (NM_001253697), this variant is also designated c.1591G>A and is predicted to result in a missense change (p.Val531Met). To our knowledge, this variant has not been reported in the literature. This variant is reported in 0.00094% of alleles in individuals of European (Non-Finnish) descent in gnomAD. At this time, the clinical significance of this variant is uncertain due to the absence of conclusive functional and genetic evidence.

Ambry Genetics
Classification: Uncertain significance. Last evaluated: 2021-09-01. Review status: criteria provided, single submitter. Criteria: Ambry Variant Classification Scheme 2023. Collection method: clinical testing. Allele origin: germline.

Dr. Peter K. Rogan Lab, Western University
No classification provided (evidence only). Condition: Uterine corpus endometrial carcinoma. Review status: no classification provided. Collection method: in vitro. Allele origin: not applicable. Functional consequence: retained intron. Not counted in ClinVar's aggregate classification.